The following is an entry in ClinVar:

ClinVar aggregate classification (germline): Uncertain significance (1 of 4 stars; one submission).

Conditions:
Familial adenomatous polyposis 1 (FAP1). Also called: FAMILIAL ADENOMATOUS POLYPOSIS 1, ATTENUATED; POLYPOSIS, ADENOMATOUS INTESTINAL. Identifiers: MedGen C2713442, MONDO:0021056, OMIM 175100. Disease mechanism: loss of function.

Submission:

Labcorp Genetics (formerly Invitae), Labcorp
Classification: Uncertain significance for Familial adenomatous polyposis 1. Last evaluated: 2023-10-03. Review status: criteria provided, single submitter. Criteria: Invitae Variant Classification Sherloc (09022015). Collection method: clinical testing. Allele origin: germline.
Comment: This sequence change replaces glycine, which is neutral and non-polar, with arginine, which is basic and polar, at codon 2145 of the APC protein (p.Gly2145Arg). This variant is not present in population databases (gnomAD no frequency). This variant has not been reported in the literature in individuals affected with APC-related conditions. ClinVar contains an entry for this variant (Variation ID: 856888). Advanced modeling of protein sequence and biophysical properties (such as structural, functional, and spatial information, amino acid conservation, physicochemical variation, residue mobility, and thermodynamic stability) performed at Invitae indicates that this missense variant is not expected to disrupt APC protein function. In summary, the available evidence is currently insufficient to determine the role of this variant in disease. Therefore, it has been classified as a Variant of Uncertain Significance.

NM_000038.6(APC):c.6433G>A (p.Gly2145Arg)

Gene: APC (APC regulator of Wnt signaling pathway; plus strand). Cytogenetic location: 5q22.2.
Variant type: single nucleotide variant.
Coding change: c.6433G>A on transcript NM_000038.6 (MANE Select); coding-DNA position 6433, G replaced by A.
Protein change: p.Gly2145Arg; replaces glycine 2145 with arginine.
Molecular consequence: missense variant.
Genome position (GRCh38, 1-based): chr5:112,842,027, G>A. VCF-style: chr5-112842027-G-A. GRCh37 (hg19) VCF-style: chr5-112177724-G-A.
Other names: c.6433G>A, p.Gly2145Arg (NM_001127510.3, NM_001354895.2); c.6379G>A, p.Gly2127Arg (NM_001127511.3); c.6487G>A, p.Gly2163Arg (NM_001354896.2); c.6463G>A, p.Gly2155Arg (NM_001354897.2); c.6358G>A, p.Gly2120Arg (NM_001354898.2); c.6349G>A, p.Gly2117Arg (NM_001354899.2); c.6310G>A, p.Gly2104Arg (NM_001354900.2); c.6256G>A, p.Gly2086Arg (NM_001354901.2); and 5 more; short protein forms G1862R, G2120R, G1985R, G2019R, G2054R, G2155R, G2044R, G2104R.
Identifiers: ClinVar variation 856888 (VCV000856888.49), dbSNP rs1766210922, ClinGen allele CA16035407.
Genomic context (GRCh38, chr5:112,842,027, plus strand): 5'-TCTAGACAAGCTTCGTCTGATTCAGATTCCATCCTTTCCCTGAAATCAGGAATCTCTCTG[G>A]GATCACCATTTCATCTTACACCTGATCAAGAAGAAAAACCCTTTACAAGTAATAAAGGCC-3'
Protein context (NP_000029.2, residues 2135-2155): ILSLKSGISL[Gly2145Arg]SPFHLTPDQE